The following is an entry in ClinVar:

NM_207037.2(TCF12):c.743_744insGTCCG (p.Phe249fs)

Gene: TCF12 (transcription factor 12; plus strand). Cytogenetic location: 15q21.3.
Variant type: Insertion.
Coding change: c.743_744insGTCCG on transcript NM_207037.2 (MANE Select); coding-DNA positions 743 to 744, GTCCG inserted.
Protein change: p.Phe249fs; shifts the reading frame from phenylalanine 249.
Molecular consequence: frameshift variant. On other transcripts: intron variant (1).
Genome position: GRCh38 VCF-style: chr15-57232347-G-GGGTCC. GRCh37 (hg19) VCF-style: chr15-57524545-G-GGGTCC.
Other names: c.233_234insGTCCG, p.Phe79fs (NM_001306219.3, NM_207040.2); c.743_744insGTCCG, p.Phe249fs (NM_001322151.2, NM_001322152.2, NM_001322157.3 and 7 more transcripts); c.86_87insGTCCG, p.Phe30fs (NM_001322154.2); c.569_570insGTCCG, p.Phe191fs (NM_001322156.2, NM_001322158.2); c.779_780insGTCCG, p.Phe261fs (NM_001322164.2); c.118-364_118-363insGTCCG (NM_001306220.3); short protein forms F191fs, F249fs, F261fs, F30fs, F79fs.
Identifiers: ClinVar variation 3382808 (VCV003382808.2).

ClinVar aggregate classification (germline): Likely pathogenic (1 of 4 stars; one submission).

Conditions:
TCF12-related craniosynostosis. Also called: Craniosynostosis 3. Identifiers: Orphanet 35098, Orphanet 35099, Orphanet 672979, MedGen C3715051, MONDO:0014128, OMIM 615314.

Submission:

Juno Genomics, Hangzhou Juno Genomics, Inc
Classification: Likely pathogenic for TCF12-related craniosynostosis. Review status: criteria provided, single submitter. Criteria: ACMG Guidelines, 2015. Collection method: clinical testing. Allele origin: germline. Affected: yes.
Comment: Absent from controls (or at extremely low frequency if recessive) in Genome Aggregation Database, Exome Sequencing Project, 1000 Genomes Project, or Exome Aggregation Consortium.;Null variant in a gene where loss of function (LOF) is a known mechanism of disease.